The following is an entry in ClinVar:

NM_001184880.2(PCDH19):c.2446T>C (p.Tyr816His)

Genes: PCDH19 (protocadherin 19; minus strand), LOC125467768 (CDK7 strongly-dependent group 2 enhancer GRCh37_chrX:99657381-99658580; plus strand). Cytogenetic location: Xq22.1.
Variant type: single nucleotide variant.
Coding change: c.2446T>C on transcript NM_001184880.2 (MANE Select); coding-DNA position 2446, T replaced by C.
Protein change: p.Tyr816His; replaces tyrosine 816 with histidine.
Molecular consequence: missense variant.
Genome position (GRCh38, 1-based): chrX:100,402,694, A>G on the plus strand (T>C on the coding strand, the complement: PCDH19 is on the minus strand). VCF-style: chrX-100402694-A-G. GRCh37 (hg19) VCF-style: chrX-99657692-A-G.
Other names: c.2305T>C, p.Tyr769His (NM_001105243.2, NM_020766.3); c.2446T>C (NM_001184880.1); short protein forms Y769H, Y816H.
Identifiers: ClinVar variation 2919447 (VCV002919447.4), dbSNP rs1490618819, ClinGen allele CA414005801.

ClinVar aggregate classification (germline): Uncertain significance. Review status: criteria provided, multiple submitters, no conflicts (2 of 4 stars). 2 submissions from 2 submitters: Uncertain significance (2). Last evaluated 2026-03-19.

Conditions:
Developmental and epileptic encephalopathy, 9 (DEE9). Also called: Early infantile epileptic encephalopathy 9; JUBERG-HELLMAN SYNDROME; PCDH19-Related X-Linked Female-Limited Epilepsy with Mental Retardation; EPILEPSY, FEMALE-RESTRICTED, WITH MENTAL RETARDATION. Identifiers: Orphanet 101039, Orphanet 2076, MedGen C1848137, MONDO:0010246, OMIM 300088. Disease mechanism: loss of function.

Allele frequency attached by ClinVar (database versions not stated): gnomAD exomes below 0.00001; gnomAD 0.00002.
gnomAD v4.1: 5 of 1,210,208 alleles (0.00041%); highest among the groups gnomAD compares: Non-Finnish European, 0.00056%; no homozygotes.

Submissions (2):

GeneDx
Classification: Uncertain significance. Last evaluated: 2026-03-19. Review status: criteria provided, single submitter. Criteria: GeneDx Variant Classification Process June 2021. Collection method: clinical testing. Allele origin: germline.
Comment: In silico analysis suggests that this missense variant does not alter protein structure/function; Has not been previously published as pathogenic or benign to our knowledge

Labcorp Genetics (formerly Invitae), Labcorp
Classification: Uncertain significance for Developmental and epileptic encephalopathy, 9. Last evaluated: 2024-08-19. Review status: criteria provided, single submitter. Criteria: Invitae Variant Classification Sherloc (09022015). Collection method: clinical testing. Allele origin: germline.
Comment: This sequence change replaces tyrosine, which is neutral and polar, with histidine, which is basic and polar, at codon 816 of the PCDH19 protein (p.Tyr816His). This variant is present in population databases (no rsID available, gnomAD 0.02%). This variant has not been reported in the literature in individuals affected with PCDH19-related conditions. Invitae Evidence Modeling of protein sequence and biophysical properties (such as structural, functional, and spatial information, amino acid conservation, physicochemical variation, residue mobility, and thermodynamic stability) indicates that this missense variant is not expected to disrupt PCDH19 protein function with a negative predictive value of 95%. In summary, the available evidence is currently insufficient to determine the role of this variant in disease. Therefore, it has been classified as a Variant of Uncertain Significance.